The following is an entry in ClinVar:

ClinVar aggregate classification (germline): Benign (1 of 4 stars; one submission).

gnomAD v4.1: 1,826 of 1,611,526 alleles (0.11%); highest among the groups gnomAD compares: Non-Finnish European, 0.057%; 10 homozygotes.

Submission:

CeGaT Center for Human Genetics Tuebingen
Classification: Benign. Last evaluated: 2025-07-01. Review status: criteria provided, single submitter. Criteria: CeGaT Center For Human Genetics Tuebingen Variant Classification Criteria Version 2. Collection method: clinical testing. Allele origin: germline. Affected: yes. Observed: 1 variant allele.
Comment: IGSF3: BP4, BS1, BS2

NM_001007237.3(IGSF3):c.219C>T (p.Ser73=)

Gene: IGSF3 (immunoglobulin superfamily member 3; minus strand). Cytogenetic location: 1p13.1.
Variant type: single nucleotide variant.
Coding change: c.219C>T on transcript NM_001007237.3 (MANE Select); coding-DNA position 219, C replaced by T.
Protein change: p.Ser73=; no amino-acid change (serine 73 retained).
Molecular consequence: synonymous variant.
Genome position (GRCh38, 1-based): chr1:116,616,282, G>A on the plus strand (C>T on the coding strand, the complement: IGSF3 is on the minus strand). VCF-style: chr1-116616282-G-A. GRCh37 (hg19) VCF-style: chr1-117158904-G-A.
Other names: c.219C>T, p.Ser73= (NM_001542.4).
Identifiers: ClinVar variation 4084044 (VCV004084044.8).
Genomic context (GRCh38, chr1:116,616,282, plus strand): 5'-GATCTTCCCTCCGCGGACGCGCTGGGTGTAGATGGCATAGGGGAAGGAAGAGTCCATGGT[G>A]CTGACGATCTGCACCTCTCGCTCTGGCGACGAAGGCAGGTAAATGGACCACTGGAAATTC-3'
Protein context (NP_001007238.1, residues 63-83): SSPEREVQIV[Ser73=]TMDSSFPYAI